The following is an entry in ClinVar:

NM_001174089.2(SLC4A11):c.1948T>G (p.Phe650Val)

Gene: SLC4A11 (solute carrier family 4 member 11; minus strand). Cytogenetic location: 20p13.
Variant type: single nucleotide variant.
Coding change: c.1948T>G on transcript NM_001174089.2 (MANE Select); coding-DNA position 1948, T replaced by G.
Protein change: p.Phe650Val; replaces phenylalanine 650 with valine.
Molecular consequence: missense variant. On other transcripts: non-coding transcript variant (3).
Genome position (GRCh38, 1-based): chr20:3,229,165, A>C on the plus strand (T>G on the coding strand, the complement: SLC4A11 is on the minus strand). VCF-style: chr20-3229165-A-C. GRCh37 (hg19) VCF-style: chr20-3209811-A-C.
Other names: c.2077T>G, p.Phe693Val (NM_001174090.2); c.1834T>G, p.Phe612Val (NM_001363745.2); c.1891T>G, p.Phe631Val (NM_001400277.1, NM_001400278.1, NM_001400279.1); c.1963T>G, p.Phe655Val (NM_001400280.1); c.1996T>G, p.Phe666Val (NM_032034.4); short protein forms F655V, F612V, F631V, F650V, F693V, F666V.
Identifiers: ClinVar variation 3707773 (VCV003707773.2).

ClinVar aggregate classification (germline): Uncertain significance (1 of 4 stars; one submission).

gnomAD v4.1: 1 of 1,611,826 alleles (0.000062%); highest among the groups gnomAD compares: Non-Finnish European, 0.000085%; no homozygotes.

Submission:

Labcorp Genetics (formerly Invitae), Labcorp
Classification: Uncertain significance. Last evaluated: 2024-07-17. Review status: criteria provided, single submitter. Criteria: Invitae Variant Classification Sherloc (09022015). Collection method: clinical testing. Allele origin: germline.
Comment: This sequence change replaces phenylalanine, which is neutral and non-polar, with valine, which is neutral and non-polar, at codon 666 of the SLC4A11 protein (p.Phe666Val). This variant is not present in population databases (gnomAD no frequency). This variant has not been reported in the literature in individuals affected with SLC4A11-related conditions. Advanced modeling of protein sequence and biophysical properties (such as structural, functional, and spatial information, amino acid conservation, physicochemical variation, residue mobility, and thermodynamic stability) has been performed at Invitae for this missense variant, however the output from this modeling did not meet the statistical confidence thresholds required to predict the impact of this variant on SLC4A11 protein function. In summary, the available evidence is currently insufficient to determine the role of this variant in disease. Therefore, it has been classified as a Variant of Uncertain Significance.